The following is an entry in ClinVar:

ClinVar aggregate classification (germline): Uncertain significance (1 of 4 stars; one submission).

Conditions:
Familial cold autoinflammatory syndrome 2 (FCAS2). Identifiers: Orphanet 247868, MedGen C2673198, MONDO:0012724, OMIM 611762.

Allele frequency attached by ClinVar (database versions not stated): gnomAD exomes below 0.00001.
gnomAD v4.1: 1 of 1,614,160 alleles (0.000062%); highest among the groups gnomAD compares: East Asian, 0.0022%; no homozygotes.

Submission:

Labcorp Genetics (formerly Invitae), Labcorp
Classification: Uncertain significance for Familial cold autoinflammatory syndrome 2. Last evaluated: 2022-09-25. Review status: criteria provided, single submitter. Criteria: Invitae Variant Classification Sherloc (09022015). Collection method: clinical testing. Allele origin: germline.
Comment: In summary, the available evidence is currently insufficient to determine the role of this variant in disease. Therefore, it has been classified as a Variant of Uncertain Significance. Advanced modeling of protein sequence and biophysical properties (such as structural, functional, and spatial information, amino acid conservation, physicochemical variation, residue mobility, and thermodynamic stability) performed at Invitae indicates that this missense variant is not expected to disrupt NLRP12 protein function. This variant has not been reported in the literature in individuals affected with NLRP12-related conditions. This variant is not present in population databases (gnomAD no frequency). This sequence change replaces aspartic acid, which is acidic and polar, with asparagine, which is neutral and polar, at codon 236 of the NLRP12 protein (p.Asp236Asn).

NM_144687.4(NLRP12):c.706G>A (p.Asp236Asn)

Gene: NLRP12 (NLR family pyrin domain containing 12; minus strand). Cytogenetic location: 19q13.42.
Variant type: single nucleotide variant.
Coding change: c.706G>A on transcript NM_144687.4 (MANE Select); coding-DNA position 706, G replaced by A.
Protein change: p.Asp236Asn; replaces aspartic acid 236 with asparagine.
Molecular consequence: missense variant.
Genome position (GRCh38, 1-based): chr19:53,810,953, C>T on the plus strand (G>A on the coding strand, the complement: NLRP12 is on the minus strand). VCF-style: chr19-53810953-C-T. GRCh37 (hg19) VCF-style: chr19-54314207-C-T.
Other names: c.706G>A, p.Asp236Asn (NM_001277126.2, NM_001277129.1); short protein forms D236N.
Identifiers: ClinVar variation 1720319 (VCV001720319.5), dbSNP rs2514349736, ClinGen allele CA407415991.